The following is an entry in ClinVar:

ClinVar aggregate classification (germline): Uncertain significance. Review status: criteria provided, multiple submitters, no conflicts (2 of 4 stars). 2 submissions from 2 submitters: Uncertain significance (2). Last evaluated 2024-12-10.

Conditions:
Inborn genetic diseases. Identifiers: MedGen C0950123, MeSH D030342.
Pulmonary fibrosis and/or bone marrow failure, Telomere-related, 3. Also called: PULMONARY FIBROSIS AND/OR BONE MARROW FAILURE SYNDROME, TELOMERE-RELATED, 3. Identifiers: Orphanet 2032, MedGen C4225346, MONDO:0014613, OMIM 616373.
Dyskeratosis congenita, autosomal recessive 5 (DKCB5). Identifiers: MedGen C3554656, MONDO:0014076, OMIM 615190.

Allele frequency attached by ClinVar (database versions not stated): gnomAD 0.00001; TOPMed 0.00001.
gnomAD v4.1: 1 of 1,612,764 alleles (0.000062%); highest among the groups gnomAD compares: African/African-American, 0.0013%; no homozygotes.

Submissions (2):

Ambry Genetics
Classification: Uncertain significance for Inborn genetic diseases. Last evaluated: 2024-12-10. Review status: criteria provided, single submitter. Criteria: Ambry Variant Classification Scheme 2023. Collection method: clinical testing. Allele origin: germline.
Comment: The p.N91D variant (also known as c.271A>G), located in coding exon 2 of the RTEL1 gene, results from an A to G substitution at nucleotide position 271. The asparagine at codon 91 is replaced by aspartic acid, an amino acid with highly similar properties. This amino acid position is conserved. In addition, this alteration is predicted to be tolerated by in silico analysis. Based on the available evidence, the clinical significance of this variant remains unclear.

Labcorp Genetics (formerly Invitae), Labcorp
Classification: Uncertain significance for Dyskeratosis congenita, autosomal recessive 5; Pulmonary fibrosis and/or bone marrow failure, Telomere-related, 3. Last evaluated: 2024-05-20. Review status: criteria provided, single submitter. Criteria: Invitae Variant Classification Sherloc (09022015). Collection method: clinical testing. Allele origin: germline.
Comment: This sequence change replaces asparagine, which is neutral and polar, with aspartic acid, which is acidic and polar, at codon 91 of the RTEL1 protein (p.Asn91Asp). This variant is not present in population databases (gnomAD no frequency). This variant has not been reported in the literature in individuals affected with RTEL1-related conditions. ClinVar contains an entry for this variant (Variation ID: 2052124). Algorithms developed to predict the effect of missense changes on protein structure and function output the following: SIFT: "Not Available"; PolyPhen-2: "Benign"; Align-GVGD: "Not Available". The aspartic acid amino acid residue is found in multiple mammalian species, which suggests that this missense change does not adversely affect protein function. In summary, the available evidence is currently insufficient to determine the role of this variant in disease. Therefore, it has been classified as a Variant of Uncertain Significance.

NM_001283009.2(RTEL1):c.271A>G (p.Asn91Asp)

Genes: RTEL1 (regulator of telomere elongation helicase 1; plus strand), RTEL1-TNFRSF6B (RTEL1-TNFRSF6B readthrough (NMD candidate); plus strand). Cytogenetic location: 20q13.33.
Variant type: single nucleotide variant.
Coding change: c.271A>G on transcript NM_001283009.2 (MANE Select); coding-DNA position 271, A replaced by G.
Protein change: p.Asn91Asp; replaces asparagine 91 with aspartic acid.
Molecular consequence: missense variant. On other transcripts: non-coding transcript variant (1), 5 prime UTR variant (1).
Genome position (GRCh38, 1-based): chr20:63,661,466, A>G. VCF-style: chr20-63661466-A-G. GRCh37 (hg19) VCF-style: chr20-62292819-A-G.
Other names: c.-399A>G (NM_001283010.1); c.271A>G, p.Asn91Asp (NM_016434.4, NM_032957.5); short protein forms N91D.
Identifiers: ClinVar variation 2052124 (VCV002052124.5), dbSNP rs1324294697, ClinGen allele CA409658164.